The following is an entry in ClinVar:

NM_015267.4(CUX2):c.637+10G>A

Gene: CUX2 (cut like homeobox 2; plus strand). Cytogenetic location: 12q24.11.
Variant type: single nucleotide variant.
Coding change: c.637+10G>A on transcript NM_015267.4 (MANE Select); 10 bases into the intron after coding-DNA position 637, G replaced by A.
Molecular consequence: intron variant.
Genome position (GRCh38, 1-based): chr12:111,295,419, G>A. VCF-style: chr12-111295419-G-A. GRCh37 (hg19) VCF-style: chr12-111733223-G-A.
Other names: c.451+10G>A (NM_001370598.1).
Identifiers: ClinVar variation 3042742 (VCV003042742.2), dbSNP rs199752282, ClinGen allele CA6788416.

ClinVar aggregate classification (germline): Likely benign (0 of 4 stars; one submission).

Conditions:
CUX2-related disorder. Also called: CUX2-related condition.

Allele frequency attached by ClinVar (database versions not stated): gnomAD exomes 0.00002; ExAC 0.00005; gnomAD 0.00017; TOPMed 0.00043; 1000 Genomes Project 0.00060; 1000 Genomes Project 30x 0.00062.
gnomAD v4.1: 56 of 1,609,698 alleles (0.0035%); highest among the groups gnomAD compares: Admixed American, 0.064%; no homozygotes.

Submission:

PreventionGenetics, part of Exact Sciences
Classification: Likely benign for CUX2-related condition. Last evaluated: 2019-07-01. Review status: no assertion criteria provided. Collection method: clinical testing. Allele origin: germline.
Comment: This variant is classified as likely benign based on ACMG/AMP sequence variant interpretation guidelines (Richards et al. 2015 PMID: 25741868, with internal and published modifications).